The following is an entry in ClinVar:

NM_000642.3(AGL):c.716dup (p.Asn240fs)

Gene: AGL (amylo-alpha-1,6-glucosidase and 4-alpha-glucanotransferase; plus strand). Cytogenetic location: 1p21.2.
Variant type: Duplication.
Coding change: c.716dup on transcript NM_000642.3 (MANE Select); coding-DNA position 716, one base duplicated (T; older notation c.716dupT).
Protein change: p.Asn240fs; shifts the reading frame from asparagine 240.
Molecular consequence: frameshift variant.
Genome position (GRCh38, 1-based): chr1:99,870,451, T duplicated. VCF-style (leftmost placement, unchanged base first): chr1-99870450-G-GT. GRCh37 (hg19) VCF-style: chr1-100336006-G-GT.
Other names: c.716dup, p.Asn240Glufs (NM_000028.3, NM_000643.3, NM_000644.3 and 3 more transcripts); c.668dup, p.Asn224Glufs (NM_000646.3); c.512dup, p.Asn172Glufs (NM_001425328.1, NM_001425329.1); c.338dup, p.Asn114Glufs (NM_001425332.1); short protein forms N224fs, N240fs.
Identifiers: ClinVar variation 1069089 (VCV001069089.8), dbSNP rs2101112150, ClinGen allele CA2499214914.
Genomic context (GRCh38, chr1:99,870,450, plus strand): 5'-TTTCCTTCAGCTGCTAATAGTAAATGGATCCAGGAACATCCAGAATGTGCCTATAATCTT[G>GT]TGAATTCTCCACACTTAAAACCTGCCTGGGTCTTAGACAGAGCACTTTGGCGTTTCTCCT-3'

ClinVar aggregate classification (germline): Pathogenic (1 of 4 stars; one submission).

Conditions:
Glycogen storage disease type III (GSD3). Also called: Cori disease; FORBES DISEASE. Identifiers: Orphanet 366, MedGen C0017922, MONDO:0009291, OMIM 232400.

Allele frequency attached by ClinVar (database versions not stated): gnomAD exomes below 0.00001.

Submission:

Labcorp Genetics (formerly Invitae), Labcorp
Classification: Pathogenic for Glycogen storage disease type III. Last evaluated: 2022-08-16. Review status: criteria provided, single submitter. Criteria: Invitae Variant Classification Sherloc (09022015). Collection method: clinical testing. Allele origin: germline.
Comment: For these reasons, this variant has been classified as Pathogenic. This sequence change creates a premature translational stop signal (p.Asn240Glufs*21) in the AGL gene. It is expected to result in an absent or disrupted protein product. Loss-of-function variants in AGL are known to be pathogenic (PMID: 19299494). This variant is not present in population databases (gnomAD no frequency). This variant has not been reported in the literature in individuals affected with AGL-related conditions. ClinVar contains an entry for this variant (Variation ID: 1069089).

Literature cited by the submitters: PubMed 19299494.